The following is an entry in ClinVar:

NM_000271.5(NPC1):c.985G>A (p.Ala329Thr)

Gene: NPC1 (NPC intracellular cholesterol transporter 1; minus strand). Cytogenetic location: 18q11.2.
Variant type: single nucleotide variant.
Coding change: c.985G>A on transcript NM_000271.5 (MANE Select); coding-DNA position 985, G replaced by A.
Protein change: p.Ala329Thr; replaces alanine 329 with threonine.
Molecular consequence: missense variant.
Genome position (GRCh38, 1-based): chr18:23,556,584, C>T on the plus strand (G>A on the coding strand, the complement: NPC1 is on the minus strand). VCF-style: chr18-23556584-C-T. GRCh37 (hg19) VCF-style: chr18-21136548-C-T.
Other names: short protein forms A329T.
Identifiers: ClinVar variation 594361 (VCV000594361.9), dbSNP rs572337787, ClinGen allele CA8913558.
Genomic context (GRCh38, chr18:23,556,584, plus strand): 5'-TTCGGACGCAGAAAGACCCCCAGCGTGTGAACAGCCGCCTCAAGCAGCCCTCAAATGCTG[C>T]GCTGACAGGGTCACAGCAGGACGCCTCTCCTGGAAGAACGGGAGAGGAAGGGAAGGTGGA-3'
Protein context (NP_000262.2, residues 319-339): GEASCCDPVS[Ala329Thr]AFEGCLRRLF

ClinVar aggregate classification (germline): Uncertain significance. Review status: criteria provided, multiple submitters, no conflicts (2 of 4 stars). 2 submissions from 2 submitters: Uncertain significance (2). Last evaluated 2022-09-07.

Conditions:
Niemann-Pick disease, type C1. Also called: NEUROVISCERAL STORAGE DISEASE WITH VERTICAL SUPRANUCLEAR OPHTHALMOPLEGIA; NIEMANN-PICK DISEASE WITH CHOLESTEROL ESTERIFICATION BLOCK; NIEMANN-PICK DISEASE WITHOUT SPHINGOMYELINASE DEFICIENCY; NIEMANN-PICK DISEASE, CHRONIC NEURONOPATHIC FORM; NIEMANN-PICK DISEASE, VARIANT TYPE C1. Identifiers: Orphanet 646, MedGen C3179455, MONDO:0009757, OMIM 257220.

Allele frequency attached by ClinVar (database versions not stated): ExAC 0.00003; gnomAD exomes 0.00004; TOPMed 0.00007; gnomAD 0.00009; 1000 Genomes Project 0.00020; 1000 Genomes Project 30x 0.00031.
gnomAD v4.1: 85 of 1,614,058 alleles (0.0053%); highest among the groups gnomAD compares: African/African-American, 0.041%; no homozygotes.

Submissions (2):

Labcorp Genetics (formerly Invitae), Labcorp
Classification: Uncertain significance for Niemann-Pick disease, type C1. Last evaluated: 2022-09-07. Review status: criteria provided, single submitter. Criteria: Invitae Variant Classification Sherloc (09022015). Collection method: clinical testing. Allele origin: germline.
Comment: This sequence change replaces alanine, which is neutral and non-polar, with threonine, which is neutral and polar, at codon 329 of the NPC1 protein (p.Ala329Thr). This variant is present in population databases (rs572337787, gnomAD 0.03%). This variant has not been reported in the literature in individuals affected with NPC1-related conditions. ClinVar contains an entry for this variant (Variation ID: 594361). Advanced modeling of protein sequence and biophysical properties (such as structural, functional, and spatial information, amino acid conservation, physicochemical variation, residue mobility, and thermodynamic stability) performed at Invitae indicates that this missense variant is not expected to disrupt NPC1 protein function. In summary, the available evidence is currently insufficient to determine the role of this variant in disease. Therefore, it has been classified as a Variant of Uncertain Significance.

Eurofins Ntd Llc (ga)
Classification: Uncertain significance. Last evaluated: 2017-10-06. Review status: criteria provided, single submitter. Criteria: EGL Classification Definitions 2015. Collection method: clinical testing. Allele origin: germline. Observed: 1 variant allele, 1 heterozygote.